The following is an entry in ClinVar:

ClinVar aggregate classification (germline): Uncertain significance (1 of 4 stars; one submission).

Conditions:
Atrial fibrillation, familial, 7 (ATFB7). Identifiers: MedGen C2677106, MONDO:0012828, OMIM 612240.

Submission:

Labcorp Genetics (formerly Invitae), Labcorp
Classification: Uncertain significance for Atrial fibrillation, familial, 7. Last evaluated: 2024-11-26. Review status: criteria provided, single submitter. Criteria: Invitae Variant Classification Sherloc (09022015). Collection method: clinical testing. Allele origin: germline.
Comment: This sequence change affects codon 286 of the KCNA5 mRNA. It is a 'silent' change, meaning that it does not change the encoded amino acid sequence of the KCNA5 protein. This variant is not present in population databases (gnomAD no frequency). This variant has not been reported in the literature in individuals affected with KCNA5-related conditions. In summary, the available evidence is currently insufficient to determine the role of this variant in disease. Therefore, it has been classified as a Variant of Uncertain Significance.

NM_002234.4(KCNA5):c.858G>C (p.Pro286=)

Gene: KCNA5 (potassium voltage-gated channel subfamily A member 5; plus strand). Cytogenetic location: 12p13.32.
Variant type: single nucleotide variant.
Coding change: c.858G>C on transcript NM_002234.4 (MANE Select); coding-DNA position 858, G replaced by C.
Protein change: p.Pro286=; no amino-acid change (proline 286 retained).
Molecular consequence: synonymous variant.
Genome position (GRCh38, 1-based): chr12:5,045,005, G>C. VCF-style: chr12-5045005-G-C. GRCh37 (hg19) VCF-style: chr12-5154171-G-C.
Identifiers: ClinVar variation 3694589 (VCV003694589.2).